The following is an entry in ClinVar:

NM_001611.5(ACP5):c.529G>A (p.Asp177Asn)

Gene: ACP5 (acid phosphatase 5, tartrate resistant; minus strand). Cytogenetic location: 19p13.2.
Variant type: single nucleotide variant.
Coding change: c.529G>A on transcript NM_001611.5 (MANE Select); coding-DNA position 529, G replaced by A.
Protein change: p.Asp177Asn; replaces aspartic acid 177 with asparagine.
Molecular consequence: missense variant.
Genome position (GRCh38, 1-based): chr19:11,576,449, C>T on the plus strand (G>A on the coding strand, the complement: ACP5 is on the minus strand). VCF-style: chr19-11576449-C-T. GRCh37 (hg19) VCF-style: chr19-11687264-C-T.
Other names: c.529G>A, p.Asp177Asn (NM_001111034.3, NM_001111035.3, NM_001111036.3 and 1 more transcripts); short protein forms D177N.
Identifiers: ClinVar variation 941379 (VCV000941379.8), dbSNP rs766846705, ClinGen allele CA9215395.
Genomic context (GRCh38, chr19:11,576,449, plus strand): 5'-CCCTGGCCGCCGCCAGCTGTTTCTTGAGCCAGGACAGCTGTGTGCGGGCCAGCTTCACGT[C>T]TCGGGGCCTCTCAGGCTGCTGGCTGAGGAAGTCATCTGAGTTGCCACATAGTGTCACTGT-3'
Protein context (NP_001602.1, residues 167-187): FLSQQPERPR[Asp177Asn]VKLARTQLSW

ClinVar aggregate classification (germline): Uncertain significance (1 of 4 stars; one submission).

Conditions:
Spondyloenchondrodysplasia with immune dysregulation (SPENCDI). Also called: COMBINED IMMUNODEFICIENCY WITH AUTOIMMUNITY AND SPONDYLOMETAPHYSEAL DYSPLASIA; ROIFMAN IMMUNOSKELETAL SYNDROME; SPONDYLOENCHONDRODYSPLASIA WITH OR WITHOUT IMMUNE DYSREGULATION. Identifiers: Orphanet 1855, MedGen C1842763, MONDO:0011939, OMIM 607944.

Allele frequency attached by ClinVar (database versions not stated): gnomAD 0.00001; ExAC 0.00002.

Submission:

Labcorp Genetics (formerly Invitae), Labcorp
Classification: Uncertain significance for Spondyloenchondrodysplasia with immune dysregulation. Last evaluated: 2019-07-29. Review status: criteria provided, single submitter. Criteria: Invitae Variant Classification Sherloc (09022015). Collection method: clinical testing. Allele origin: germline.
Comment: Algorithms developed to predict the effect of missense changes on protein structure and function output the following: SIFT: "Tolerated"; PolyPhen-2: "Benign"; Align-GVGD: "Class C0". The asparagine amino acid residue is found in multiple mammalian species, suggesting that this missense change does not adversely affect protein function. These predictions have not been confirmed by published functional studies and their clinical significance is uncertain. This variant has not been reported in the literature in individuals with ACP5-related conditions. This variant is present in population databases (rs766846705, ExAC 0.01%). This sequence change replaces aspartic acid with asparagine at codon 177 of the ACP5 protein (p.Asp177Asn). The aspartic acid residue is moderately conserved and there is a small physicochemical difference between aspartic acid and asparagine. In summary, the available evidence is currently insufficient to determine the role of this variant in disease. Therefore, it has been classified as a Variant of Uncertain Significance.